The following is an entry in ClinVar:

ClinVar aggregate classification (germline): Uncertain significance (1 of 4 stars; one submission).

Submission:

Labcorp Genetics (formerly Invitae), Labcorp
Classification: Uncertain significance. Last evaluated: 2025-08-13. Review status: criteria provided, single submitter. Criteria: Invitae Variant Classification Sherloc (09022015). Collection method: clinical testing. Allele origin: germline.
Comment: This sequence change replaces alanine, which is neutral and non-polar, with glycine, which is neutral and non-polar, at codon 1290 of the NOTCH3 protein (p.Ala1290Gly). This variant is not present in population databases (gnomAD no frequency). This variant has not been reported in the literature in individuals affected with NOTCH3-related conditions. Invitae Evidence Modeling of protein sequence and biophysical properties (such as structural, functional, and spatial information, amino acid conservation, physicochemical variation, residue mobility, and thermodynamic stability) indicates that this missense variant is not expected to disrupt NOTCH3 protein function with a negative predictive value of 95%. In summary, the available evidence is currently insufficient to determine the role of this variant in disease. Therefore, it has been classified as a Variant of Uncertain Significance.

NM_000435.3(NOTCH3):c.3869C>G (p.Ala1290Gly)

Gene: NOTCH3 (notch receptor 3; minus strand). Cytogenetic location: 19p13.12.
Variant type: single nucleotide variant.
Coding change: c.3869C>G on transcript NM_000435.3 (MANE Select); coding-DNA position 3869, C replaced by G.
Protein change: p.Ala1290Gly; replaces alanine 1290 with glycine.
Molecular consequence: missense variant.
Genome position (GRCh38, 1-based): chr19:15,178,059, G>C on the plus strand (C>G on the coding strand, the complement: NOTCH3 is on the minus strand). VCF-style: chr19-15178059-G-C. GRCh37 (hg19) VCF-style: chr19-15288870-G-C.
Other names: short protein forms A1290G.
Identifiers: ClinVar variation 4802099 (VCV004802099.1).